The following is an entry in ClinVar:

ClinVar aggregate classification (germline): Conflicting classifications of pathogenicity. Review status: criteria provided, conflicting classifications (1 of 4 stars). 3 submissions from 3 submitters: Uncertain significance (1); Benign (1); Likely benign (1). Last evaluated 2026-08-01.

Conditions:
Neurodevelopmental disorder and structural brain anomalies with or without seizures and spasticity. Identifiers: MedGen C5394423, MONDO:0030046, OMIM 618890.

Allele frequency attached by ClinVar (database versions not stated): 1000 Genomes Project 30x 0.00016; 1000 Genomes Project 0.00020.
gnomAD v4.1: 115 of 1,611,642 alleles (0.0071%); highest among the groups gnomAD compares: South Asian, 0.1%; 2 homozygotes.

Submissions (3):

CeGaT Center for Human Genetics Tuebingen
Classification: Likely benign. Last evaluated: 2026-08-01. Review status: criteria provided, single submitter. Criteria: CeGaT Center For Human Genetics Tuebingen Variant Classification Criteria Version 2. Collection method: clinical testing. Allele origin: germline. Affected: yes. Observed: 1 variant allele.
Comment: PTPN23: BS2

Labcorp Genetics (formerly Invitae), Labcorp
Classification: Benign. Last evaluated: 2025-07-30. Review status: criteria provided, single submitter. Criteria: Invitae Variant Classification Sherloc (09022015). Collection method: clinical testing. Allele origin: germline.

Revvity Omics, Revvity
Classification: Uncertain significance for Neurodevelopmental disorder and structural brain anomalies with or without seizures and spasticity. Last evaluated: 2022-11-29. Review status: criteria provided, single submitter. Criteria: ACMG Guidelines, 2015. Collection method: clinical testing. Allele origin: germline.

NM_015466.4(PTPN23):c.2248C>G (p.Pro750Ala)

Gene: PTPN23 (protein tyrosine phosphatase non-receptor type 23; plus strand). Cytogenetic location: 3p21.31.
Variant type: single nucleotide variant.
Coding change: c.2248C>G on transcript NM_015466.4 (MANE Select); coding-DNA position 2248, C replaced by G.
Protein change: p.Pro750Ala; replaces proline 750 with alanine.
Molecular consequence: missense variant.
Genome position (GRCh38, 1-based): chr3:47,410,046, C>G. VCF-style: chr3-47410046-C-G. GRCh37 (hg19) VCF-style: chr3-47451536-C-G.
Other names: c.1870C>G, p.Pro624Ala (NM_001304482.2); short protein forms P624A, P750A.
Identifiers: ClinVar variation 1939431 (VCV001939431.9), dbSNP rs199549354, ClinGen allele CA2365988.